The following is an entry in ClinVar:

NM_006506.5(RASA2):c.2510A>G (p.Tyr837Cys)

Gene: RASA2 (RAS p21 protein activator 2; plus strand). Cytogenetic location: 3q23.
Variant type: single nucleotide variant.
Coding change: c.2510A>G on transcript NM_006506.5 (MANE Select); coding-DNA position 2510, A replaced by G.
Protein change: p.Tyr837Cys; replaces tyrosine 837 with cysteine.
Molecular consequence: missense variant.
Genome position (GRCh38, 1-based): chr3:141,610,057, A>G. VCF-style: chr3-141610057-A-G. GRCh37 (hg19) VCF-style: chr3-141328899-A-G.
Other names: c.2513A>G, p.Tyr838Cys (NM_001303245.3); c.2522A>G, p.Tyr841Cys (NM_001303246.3); short protein forms Y841C, Y837C, Y838C.
Identifiers: ClinVar variation 4150732 (VCV004150732.1).

ClinVar aggregate classification (germline): Uncertain significance (1 of 4 stars; one submission).

gnomAD v4.1: 5 of 1,581,330 alleles (0.00032%); highest among the groups gnomAD compares: Non-Finnish European, 0.00034%; no homozygotes.

Submission:

Ambry Genetics
Classification: Uncertain significance. Last evaluated: 2025-06-28. Review status: criteria provided, single submitter. Criteria: Ambry Variant Classification Scheme 2023. Collection method: clinical testing. Allele origin: germline.
Comment: The p.Y837C variant (also known as c.2510A>G), located in coding exon 23 of the RASA2 gene, results from an A to G substitution at nucleotide position 2510. The tyrosine at codon 837 is replaced by cysteine, an amino acid with highly dissimilar properties. This amino acid position is conserved. In addition, the in silico prediction for this alteration is inconclusive. Based on the available evidence, the clinical significance of this variant remains unclear.